The following is an entry in ClinVar:

NM_005629.4(SLC6A8):c.1379C>G (p.Ser460Cys)

Gene: SLC6A8 (solute carrier family 6 member 8; plus strand). Cytogenetic location: Xq28.
Variant type: single nucleotide variant.
Coding change: c.1379C>G on transcript NM_005629.4 (MANE Select); coding-DNA position 1379, C replaced by G.
Protein change: p.Ser460Cys; replaces serine 460 with cysteine.
Molecular consequence: missense variant.
Genome position (GRCh38, 1-based): chrX:153,694,254, C>G. VCF-style: chrX-153694254-C-G. GRCh37 (hg19) VCF-style: chrX-152959709-C-G.
Other names: c.1349C>G, p.Ser450Cys (NM_001142805.2); c.1034C>G, p.Ser345Cys (NM_001142806.1); short protein forms S345C, S450C, S460C.
Identifiers: ClinVar variation 1806741 (VCV001806741.1), dbSNP rs2522166740, ClinGen allele CA415087076.

ClinVar aggregate classification (germline): Uncertain significance (1 of 4 stars; one submission).

Allele frequency attached by ClinVar (database versions not stated): gnomAD exomes below 0.00001.
gnomAD v4.1: 1 of 1,211,447 alleles (0.000083%); highest among the groups gnomAD compares: Non-Finnish European, 0.00011%; no homozygotes.

Submission:

GeneDx
Classification: Uncertain significance. Last evaluated: 2022-06-24. Review status: criteria provided, single submitter. Criteria: GeneDx Variant Classification Process June 2021. Collection method: clinical testing. Allele origin: germline. Affected: yes.
Comment: Not observed at significant frequency in large population cohorts (gnomAD); In silico analysis supports that this missense variant has a deleterious effect on protein structure/function; Has not been previously published as pathogenic or benign to our knowledge